The following is an entry in ClinVar:

NM_021871.4(FGA):c.16A>G (p.Ile6Val)

Gene: FGA (fibrinogen alpha chain; minus strand). Cytogenetic location: 4q31.3.
Variant type: single nucleotide variant.
Coding change: c.16A>G on transcript NM_021871.4 (MANE Select); coding-DNA position 16, A replaced by G.
Protein change: p.Ile6Val; replaces isoleucine 6 with valine.
Molecular consequence: missense variant.
Genome position (GRCh38, 1-based): chr4:154,590,672, T>C on the plus strand (A>G on the coding strand, the complement: FGA is on the minus strand). VCF-style: chr4-154590672-T-C. GRCh37 (hg19) VCF-style: chr4-155511824-T-C.
Other names: c.16A>G, p.Ile6Val (NM_000508.5); c.16A>G (LRG_557t2); short protein forms I6V.
Identifiers: ClinVar variation 347823 (VCV000347823.12), dbSNP rs2070025, ClinGen allele CA3115418.

ClinVar aggregate classification (germline): Benign. Review status: criteria provided, multiple submitters, no conflicts (2 of 4 stars). 5 submissions from 4 submitters: Benign (5). Last evaluated 2021-05-05.

Conditions:
Congenital afibrinogenemia. Identifiers: Orphanet 335, Orphanet 98880, MedGen C2584774, MONDO:0008737, OMIM 202400.
Familial visceral amyloidosis, Ostertag type (AMYLD2). Also called: AMYLOIDOSIS VIII; Ostertag type amyloidosis; Familial visceral amyloidosis; Amyloidosis, hepatic and systemic; AMYLOIDOSIS, HEREDITARY SYSTEMIC 2; Hereditary Renal Amyloidosis. Identifiers: Orphanet 85450, MedGen C0268389, MONDO:0007099, OMIM 105200.

Allele frequency attached by ClinVar (database versions not stated): ESP Exome Variant Server 0.00023; gnomAD 0.00250 and 0.00350; TOPMed 0.00384; gnomAD exomes 0.00764; ExAC 0.00814; 1000 Genomes Project 30x 0.01733; 1000 Genomes Project 0.01837.
gnomAD v4.1: 4,371 of 1,557,848 alleles (0.28%); highest among the groups gnomAD compares: East Asian, 8.7%; 193 homozygotes.

Submissions (5):

GeneDx
Classification: Benign. Last evaluated: 2021-05-05. Review status: criteria provided, single submitter. Criteria: GeneDx Variant Classification Process June 2021. Collection method: clinical testing. Allele origin: germline. Affected: yes.
Comment: This variant is associated with the following publications: (PMID: 32877852)

Labcorp Genetics (formerly Invitae), Labcorp
Classification: Benign. Last evaluated: 2019-12-31. Review status: criteria provided, single submitter. Criteria: Invitae Variant Classification Sherloc (09022015). Collection method: clinical testing. Allele origin: germline.

Illumina Laboratory Services, Illumina
Classification: Benign for Familial visceral amyloidosis, Ostertag type. Last evaluated: 2018-01-13. Review status: criteria provided, single submitter. Criteria: ICSL Variant Classification Criteria 13 December 2019. Collection method: clinical testing. Allele origin: germline.
Comment: This variant was observed in the ICSL laboratory as part of a predisposition screen in an ostensibly healthy population. It had not been previously curated by ICSL or reported in the Human Gene Mutation Database (HGMD: prior to June 1st, 2018), and was therefore a candidate for classification through an automated scoring system. Utilizing variant allele frequency, disease prevalence and penetrance estimates, and inheritance mode, an automated score was calculated to assess if this variant is too frequent to cause the disease. Based on the score and internal cut-off values, a variant classified as benign is not then subjected to further curation. The score for this variant resulted in a classification of benign for this disease.

Illumina Laboratory Services, Illumina
Classification: Benign for Congenital afibrinogenemia. Last evaluated: 2018-01-13. Review status: criteria provided, single submitter. Criteria: ICSL Variant Classification Criteria 13 December 2019. Collection method: clinical testing. Allele origin: germline.
Comment: the same text as in the submission from Illumina Laboratory Services, Illumina above.

Breakthrough Genomics
Classification: Benign. Review status: criteria provided, single submitter. Criteria: ACMG Guidelines, 2015. Collection method: not provided. Allele origin: germline. Inheritance: Autosomal recessive inheritance. Affected: yes.